The following is an entry in ClinVar:

ClinVar aggregate classification (germline): Uncertain significance (1 of 4 stars; one submission).

Conditions:
Inborn genetic diseases. Identifiers: MedGen C0950123, MeSH D030342.

gnomAD v4.1: 1 of 1,613,718 alleles (0.000062%); highest among the groups gnomAD compares: South Asian, 0.0011%; no homozygotes.

Submission:

Ambry Genetics
Classification: Uncertain significance for Inborn genetic diseases. Last evaluated: 2025-02-16. Review status: criteria provided, single submitter. Criteria: Ambry Variant Classification Scheme 2023. Collection method: clinical testing. Allele origin: germline.
Comment: The p.I478M variant (also known as c.1434A>G), located in coding exon 9 of the ERCC6L2 gene, results from an A to G substitution at nucleotide position 1434. The isoleucine at codon 478 is replaced by methionine, an amino acid with highly similar properties. This amino acid position is conserved. In addition, this alteration is predicted to be tolerated by in silico analysis. Based on the available evidence, the clinical significance of this variant remains unclear.

NM_020207.7(ERCC6L2):c.1434A>G (p.Ile478Met)

Gene: ERCC6L2 (ERCC excision repair 6 like 2; plus strand). Cytogenetic location: 9q22.32.
Variant type: single nucleotide variant.
Coding change: c.1434A>G on transcript NM_020207.7 (MANE Select); coding-DNA position 1434, A replaced by G.
Protein change: p.Ile478Met; replaces isoleucine 478 with methionine.
Molecular consequence: missense variant. On other transcripts: non-coding transcript variant (1).
Genome position (GRCh38, 1-based): chr9:95,923,280, A>G. VCF-style: chr9-95923280-A-G. GRCh37 (hg19) VCF-style: chr9-98685562-A-G.
Other names: c.1434A>G, p.Ile478Met (NM_001010895.4, NM_001375291.1, NM_001375292.1 and 2 more transcripts); short protein forms I478M.
Identifiers: ClinVar variation 3845941 (VCV003845941.1).